The following is an entry in ClinVar:

ClinVar aggregate classification (germline): Pathogenic. Review status: reviewed by expert panel (3 of 4 stars). 4 submissions from 4 submitters: Pathogenic (1). 3 of the submissions do not count toward it. Last evaluated 2024-03-25.

Conditions:
CDH1-related diffuse gastric and lobular breast cancer syndrome. Also called: CDH1-related diffuse gastric and lobular breast cancer. Identifiers: MedGen CN311521, MONDO:0100488.
Hereditary cancer-predisposing syndrome. Also called: Neoplastic Syndromes, Hereditary; Tumor predisposition; Hereditary Cancer Syndrome; Hereditary neoplastic syndrome. Identifiers: Orphanet 140162, MedGen C0027672, MeSH D009386, MONDO:0015356.
Hereditary diffuse gastric adenocarcinoma (HDGC). Also called: DIFFUSE GASTRIC AND LOBULAR BREAST CANCER SYNDROME. Identifiers: Orphanet 26106, MedGen C1708349, MONDO:0007648, OMIM 137215.

Submissions (4):

Clingen Gastric Cancer Variant Curation Expert Panel
Classification: Pathogenic for CDH1-related diffuse gastric and lobular breast cancer syndrome. Last evaluated: 2024-03-25. Review status: reviewed by expert panel. Criteria: ClinGen CDH1 ACMG Specifications V3.1. Collection method: curation. Allele origin: germline. Inheritance: Autosomal dominant inheritance.
Comment: The c.687+1G>A is a canonical splice variant predicted to result in a truncated or absent protein (PVS1_Strong, PM5_Supporting). This variant is absent in the gnomAD cohort (PM2_Supporting). This variant has been reported in three families meeting IGCLC criteria for HDGC (PS4_Moderate; PMID: 15235021 and 30306390, SCV000815329.1). The variant was also found to co-segregate with HDGC in a family with HDGC and cleft lip/palete (PP1_Supporting; PMID: 30306390). RNA analysis demonstrated an in-frame deletion of 14 amino acids from exon 5, r.646_687del p.(V216_T229del) (PS3_Supporting; PMID: 30306390 and internal laboratory data). In summary, this variant meets criteria to be classified as pathogenic based on the ACMG/AMP criteria applied as specified by the CDH1 Variant Curation Expert Panel (Variant Interpretation Guidelines Version 3.1): PVS1_Strong, PS3_Supporting, PM2_Supporting, PS4_Moderate, PM5_Supporting and PP1_Supporting.

Myriad Genetics, Inc.
Classification: Likely pathogenic for Hereditary diffuse gastric adenocarcinoma. Last evaluated: 2023-06-09. Review status: criteria provided, single submitter. Criteria: Myriad Autosomal Dominant, Autosomal Recessive and X-Linked Classification Criteria (2023). Collection method: clinical testing. Allele origin: unknown. Not counted in ClinVar's aggregate classification.
Comment: This variant is considered likely pathogenic. This variant occurs within a consensus splice junction and is predicted to result in abnormal mRNA splicing of either an out-of-frame exon or an in-frame exon necessary for protein stability and/or normal function.

Ambry Genetics
Classification: Pathogenic for Hereditary cancer-predisposing syndrome. Last evaluated: 2019-10-28. Review status: criteria provided, single submitter. Criteria: Ambry Variant Classification Scheme 2023. Collection method: clinical testing. Allele origin: germline. Not counted in ClinVar's aggregate classification.
Comment: The c.687+1G>A pathogenic mutation results from a G to A substitution one nucleotide after coding exon 5 of the CDH1 gene. This pathogenic mutation has been detected in two families meeting clinical criteria for hereditary diffuse gastric cancer (Obermair F et al. Fam. Cancer, 2019 04;18:253-260, Brooks-Wilson AR et al. J. Med. Genet., 2004 Jul;41:508-17). RNA analyses have shown that this mutation abolishes the native donor site, resulting in an abnormal transcript with 42 nucleotides deleted from exon 5 (Obermair F et al. Fam. Cancer, 2019 04;18:253-260; Ambry internal data). Based on the supporting evidence, this alteration is interpreted as a disease-causing mutation.

Labcorp Genetics (formerly Invitae), Labcorp
Classification: Pathogenic for Hereditary diffuse gastric adenocarcinoma. Last evaluated: 2018-02-24. Review status: criteria provided, single submitter. Criteria: Invitae Variant Classification Sherloc (09022015). Collection method: clinical testing. Allele origin: germline. Not counted in ClinVar's aggregate classification.
Comment: This sequence change affects a donor splice site in intron 5 of the CDH1 gene. It is expected to disrupt RNA splicing and likely results in an absent or disrupted protein product. For these reasons, this variant has been classified as Pathogenic. Donor and acceptor splice site variants typically lead to a loss of protein function (PMID: 16199547), and loss-of-function variants in CDH1 are known to be pathogenic (PMID: 15235021, 20373070). This variant has been reported in individuals affected with diffuse gastric cancer who also had a family history of gastric cancer and/or lobular breast cancer (PMID: 15235021, Invitae). This variant is also known as IVS5(+1) G>A in the literature. This variant is not present in population databases (ExAC no frequency).

Literature cited by the submitters: PubMed 15235021 (cited by Ambry Genetics and Labcorp Genetics (formerly Invitae), Labcorp); PubMed 30306390 (cited by Ambry Genetics); PubMed 16199547 (cited by Labcorp Genetics (formerly Invitae), Labcorp); PubMed 20373070 (cited by Labcorp Genetics (formerly Invitae), Labcorp).

NM_004360.5(CDH1):c.687+1G>A

Gene: CDH1 (cadherin 1; plus strand). Cytogenetic location: 16q22.1.
Variant type: single nucleotide variant.
Coding change: c.687+1G>A on transcript NM_004360.5 (MANE Select); the canonical splice donor site of the intron after coding-DNA position 687, G replaced by A.
Molecular consequence: splice donor variant.
Genome position (GRCh38, 1-based): chr16:68,808,849, G>A. VCF-style: chr16-68808849-G-A. GRCh37 (hg19) VCF-style: chr16-68842752-G-A.
Other names: c.-929+1G>A (NM_001317185.2); c.-1133+1G>A (NM_001317186.2); c.687+1G>A (NM_001317184.2).
Identifiers: ClinVar variation 567608 (VCV000567608.19), dbSNP rs1567504977, ClinGen allele CA396458162.
Genomic context (GRCh38, chr16:68,808,849, plus strand): 5'-GAAACAGGATGGCTGAAGGTGACAGAGCCTCTGGATAGAGAACGCATTGCCACATACACT[G>A]TAAGTATCTCTTAGAAGCTTGTTGACACCGGGGTAACATCCACCCAGGATTTTTTGGTCA-3'